The following is an entry in ClinVar:

ClinVar aggregate classification (germline): Uncertain significance. Review status: criteria provided, multiple submitters, no conflicts (2 of 4 stars). 2 submissions from 2 submitters: Uncertain significance (2). Last evaluated 2026-07-02.

Conditions:
KLHL7-related disorder. Also called: KLHL7-related condition; KLHL7-related disorders.

gnomAD v4.1: 1 of 1,614,108 alleles (0.000062%); highest among the groups gnomAD compares: Non-Finnish European, 0.000085%; no homozygotes.

Submissions (2):

PreventionGenetics, part of Exact Sciences
Classification: Uncertain significance for KLHL7-related condition. Last evaluated: 2026-07-02. Review status: criteria provided, single submitter. Criteria: ACMG Guidelines, 2015. Collection method: clinical testing. Allele origin: germline.
Comment: The KLHL7 c.950C>T variant is predicted to result in the amino acid substitution p.Thr317Ile. To our knowledge, this variant has not been reported in the literature or in a large population database (gnomAD), indicating this variant is rare. At this time, the clinical significance of this variant is uncertain due to the absence of conclusive functional and genetic evidence.

Blueprint Genetics
Classification: Uncertain significance. Last evaluated: 2023-06-20. Review status: criteria provided, single submitter. Criteria: ACMG Guidelines, 2015. Collection method: clinical testing. Allele origin: germline.

NM_001031710.3(KLHL7):c.950C>T (p.Thr317Ile)

Gene: KLHL7 (kelch like family member 7; plus strand). Cytogenetic location: 7p15.3.
Variant type: single nucleotide variant.
Coding change: c.950C>T on transcript NM_001031710.3 (MANE Select); coding-DNA position 950, C replaced by T.
Protein change: p.Thr317Ile; replaces threonine 317 with isoleucine.
Molecular consequence: missense variant. On other transcripts: non-coding transcript variant (1).
Genome position (GRCh38, 1-based): chr7:23,165,711, C>T. VCF-style: chr7-23165711-C-T. GRCh37 (hg19) VCF-style: chr7-23205330-C-T.
Other names: c.950C>T (NM_001031710.2); c.806C>T, p.Thr269Ile (NM_018846.5); short protein forms T317I, T269I.
Identifiers: ClinVar variation 4895439 (VCV004895439.2).
Genomic context (GRCh38, chr7:23,165,711, plus strand): 5'-TTATATTTTTTTCCTTACTGAAAGCTTCCCATCCTTTTCTGCTACAGGATTATAGCTGGA[C>T]AGACATCCGCTGCCCCTTTGAAAAACGAAGAGATGCAGCATGCGTGTTTTGGGACAATGT-3'
Protein context (NP_001026880.2, residues 307-327): RYFNPKDYSW[Thr317Ile]DIRCPFEKRR